The following is an entry in ClinVar:

NM_006950.3(SYN1):c.1516C>T (p.Gln506Ter)

Gene: SYN1 (synapsin I; minus strand). Cytogenetic location: Xp11.3.
Variant type: single nucleotide variant.
Coding change: c.1516C>T on transcript NM_006950.3 (MANE Select); coding-DNA position 1516, C replaced by T.
Protein change: p.Gln506Ter; replaces glutamine 506 with a stop codon.
Molecular consequence: nonsense.
Genome position (GRCh38, 1-based): chrX:47,574,468, G>A on the plus strand (C>T on the coding strand, the complement: SYN1 is on the minus strand). VCF-style: chrX-47574468-G-A. GRCh37 (hg19) VCF-style: chrX-47433867-G-A.
Other names: c.1516C>T, p.Gln506Ter (NM_133499.2); short protein forms Q506*.
Identifiers: ClinVar variation 650148 (VCV000650148.7), dbSNP rs1603050544, ClinGen allele CA412823548.
Genomic context (GRCh38, chrX:47,574,468, plus strand): 5'-TCGGCGGCGCGGCCTGGGACGCGGGCTGCTGGGGCGCTGAGGTGGGACTTGGAAGGCGCT[G>A]GGGCAGGGGGCTGCCAGCTGGGGGTCCAAGGCCTGAAAGGTGCTGCTGGCCCTGCGGGGG-3'

ClinVar aggregate classification (germline): Pathogenic (1 of 4 stars; one submission).

Conditions:
Epilepsy, X-linked 1, with variable learning disabilities and behavior disorders. Also called: X-linked epilepsy-learning disabilities-behavior disorders syndrome. Identifiers: Orphanet 85294, MedGen C5774177, MONDO:0010339, OMIM 300491.

Submission:

Labcorp Genetics (formerly Invitae), Labcorp
Classification: Pathogenic for Epilepsy, X-linked 1, with variable learning disabilities and behavior disorders. Last evaluated: 2018-12-15. Review status: criteria provided, single submitter. Criteria: Invitae Variant Classification Sherloc (09022015). Collection method: clinical testing. Allele origin: germline.
Comment: For these reasons, this variant has been classified as Pathogenic. Loss-of-function variants in SYN1 are known to be pathogenic (PMID: 14985377, 21441247). This variant has not been reported in the literature in individuals with SYN1-related disease. While this variant is not present in population databases, the frequency information is unreliable, as metrics indicate poor data quality at this position in the ExAC database. This sequence change creates a premature translational stop signal (p.Gln506*) in the SYN1 gene. It is expected to result in an absent or disrupted protein product.

Literature cited by the submitters: PubMed 14985377; PubMed 21441247.